The following is an entry in ClinVar:

ClinVar aggregate classification (germline): Likely pathogenic (1 of 4 stars; one submission).

Conditions:
UDPglucose-4-epimerase deficiency. Also called: GALACTOSEMIA III; GALE DEFICIENCY; Epimerase Deficiency Galactosemia; Galactose epimerase deficiency; UDP-GALACTOSE-4-EPIMERASE DEFICIENCY; UDPglucose 4-Epimerase Deficiency Disease. Identifiers: Orphanet 352, Orphanet 79238, MedGen C0751161, MONDO:0009257, OMIM 230350.

Allele frequency attached by ClinVar (database versions not stated): gnomAD exomes below 0.00001.

Submission:

Women's Health and Genetics/Laboratory Corporation of America, LabCorp
Classification: Likely pathogenic for UDPglucose-4-epimerase deficiency. Last evaluated: 2021-10-08. Review status: criteria provided, single submitter. Criteria: LabCorp Variant Classification Summary - May 2015. Collection method: clinical testing. Allele origin: germline.
Comment: Variant summary: GALE c.207C>A (p.Asp69Glu) results in a conservative amino acid change in the encoded protein sequence. Three of five in-silico tools predict a damaging effect of the variant on protein function. A bioinformatic study predicts that the residue Asp-69 is located on the surface of the protein at the N-terminal end of alpha-helix 3. This residue forms hydrogen bonds to the backbone nitrogens of Gly-71 and Ala-72 (McCorvie_2013). This residue has also been reported to be highly conserved from homo sapiens through S. cerevisiae (Seo_2019). The variant allele was found at a frequency of 4e-06 in 251134 control chromosomes. c.207C>A has been reported in the literature as a compound heterozygous genotype in at-least two individuals affected with severely reduced UDPglucose-4-Epimerase Deficiency (example, Park_2005). These data indicate that the variant may be associated with disease. At least two publications report experimental evidence evaluating an impact on protein function. The most pronounced variant effect results in <10% of normal RBC GALE enzyme activity in compound heterozygotes and a corresponding 50% reduction in RBC GALE enzyme activity of each heterozygote, thereby corroborating the observed severe reduction in activity in-vivo (Park_2005). Another in-vitro study using transfection into GALE-null cells demonstrated a 26% reduction in GALE enzyme activity (Bang_2009). No clinical diagnostic laboratories have submitted clinical-significance assessments for this variant to ClinVar after 2014. Based on the evidence outlined above, the variant was classified as likely pathogenic.

Literature cited by the submitters: PubMed 19250319; PubMed 23644136; PubMed 16301867; PubMed 30247636.

NM_001008216.2(GALE):c.207C>A (p.Asp69Glu)

Gene: GALE (UDP-galactose-4-epimerase; minus strand). Cytogenetic location: 1p36.11.
Variant type: single nucleotide variant.
Coding change: c.207C>A on transcript NM_001008216.2 (MANE Select); coding-DNA position 207, C replaced by A.
Protein change: p.Asp69Glu; replaces aspartic acid 69 with glutamic acid.
Molecular consequence: missense variant.
Genome position (GRCh38, 1-based): chr1:23,798,645, G>T on the plus strand (C>A on the coding strand, the complement: GALE is on the minus strand). VCF-style: chr1-23798645-G-T. GRCh37 (hg19) VCF-style: chr1-24125135-G-T.
Other names: c.207C>A, p.Asp69Glu (NM_000403.4, NM_001127621.2); short protein forms D69E.
Identifiers: ClinVar variation 1321343 (VCV001321343.1), dbSNP rs1261697960, ClinGen allele CA339014671.
Genomic context (GRCh38, chr1:23,798,645, plus strand): 5'-CGTGAGCCACCGTGCCCAGCCTGCACCCACCTTTTTGAAGAGACGCTGTAGGGCTCCCTG[G>T]TCCAAAATGTCCATCTCCTCAAACTCCACAGAGCGGCCTGTCAGCTCCTGGACCCGCCGC-3'
Protein context (NP_001008217.1, residues 59-79): SVEFEEMDIL[Asp69Glu]QGALQRLFKK